The following is an entry in ClinVar:

ClinVar aggregate classification (germline): Likely pathogenic (1 of 4 stars; one submission).

Conditions:
Facioscapulohumeral muscular dystrophy 2 (FSHD2). Also called: MUSCULAR DYSTROPHY, FACIOSCAPULOHUMERAL, TYPE 1B; FACIOSCAPULOHUMERAL MUSCULAR DYSTROPHY 2, DIGENIC; FSHD2, DIGENIC. Identifiers: Orphanet 269, MedGen C1834671, MONDO:0008031, OMIM 158901.

gnomAD v4.1: 1 of 1,585,048 alleles (0.000063%); highest among the groups gnomAD compares: African/African-American, 0.0014%; no homozygotes.

Submission:

Labcorp Genetics (formerly Invitae), Labcorp
Classification: Likely pathogenic for Facioscapulohumeral muscular dystrophy 2. Last evaluated: 2024-07-22. Review status: criteria provided, single submitter. Criteria: Invitae Variant Classification Sherloc (09022015). Collection method: clinical testing. Allele origin: germline.
Comment: This sequence change affects an acceptor splice site in intron 25 of the SMCHD1 gene. It is expected to disrupt RNA splicing. Variants that disrupt the donor or acceptor splice site typically lead to a loss of protein function (PMID: 16199547), and loss-of-function variants in SMCHD1 are known to be pathogenic (PMID: 23143600). This variant is not present in population databases (gnomAD no frequency). This variant has not been reported in the literature in individuals affected with SMCHD1-related conditions. Algorithms developed to predict the effect of sequence changes on RNA splicing suggest that this variant may disrupt the consensus splice site. In summary, the currently available evidence indicates that the variant is pathogenic, but additional data are needed to prove that conclusively. Therefore, this variant has been classified as Likely Pathogenic.

Literature cited by the submitters: PubMed 16199547; PubMed 23143600.

NM_015295.3(SMCHD1):c.3277-2A>G

Gene: SMCHD1 (structural maintenance of chromosomes flexible hinge domain containing 1; plus strand). Cytogenetic location: 18p11.32.
Variant type: single nucleotide variant.
Coding change: c.3277-2A>G on transcript NM_015295.3 (MANE Select); the canonical splice acceptor site of the intron before coding-DNA position 3277, A replaced by G.
Molecular consequence: splice acceptor variant.
Genome position (GRCh38, 1-based): chr18:2,738,395, A>G. VCF-style: chr18-2738395-A-G. GRCh37 (hg19) VCF-style: chr18-2738393-A-G.
Identifiers: ClinVar variation 3660206 (VCV003660206.2).